The following is an entry in ClinVar:

ClinVar aggregate classification (germline): Uncertain significance (1 of 4 stars; one submission).

Conditions:
Cardiovascular phenotype. Identifiers: MedGen CN230736.

gnomAD v4.1: 3 of 1,614,212 alleles (0.00019%); highest among the groups gnomAD compares: Non-Finnish European, 0.00025%; no homozygotes.

Submission:

Ambry Genetics
Classification: Uncertain significance for Cardiovascular phenotype. Last evaluated: 2024-09-11. Review status: criteria provided, single submitter. Criteria: Ambry Variant Classification Scheme 2023. Collection method: clinical testing. Allele origin: germline.
Comment: The p.C1733G variant (also known as c.5197T>G), located in coding exon 12 of the ALPK3 gene, results from a T to G substitution at nucleotide position 5197. The cysteine at codon 1733 is replaced by glycine, an amino acid with highly dissimilar properties. This amino acid position is conserved. In addition, the in silico prediction for this alteration is inconclusive. Based on the available evidence, the clinical significance of this variant remains unclear.

NM_020778.5(ALPK3):c.4591T>G (p.Cys1531Gly)

Gene: ALPK3 (alpha kinase 3; plus strand). Cytogenetic location: 15q25.3.
Variant type: single nucleotide variant.
Coding change: c.4591T>G on transcript NM_020778.5 (MANE Select); coding-DNA position 4591, T replaced by G.
Protein change: p.Cys1531Gly; replaces cysteine 1531 with glycine.
Molecular consequence: missense variant.
Genome position (GRCh38, 1-based): chr15:84,864,533, T>G. VCF-style: chr15-84864533-T-G. GRCh37 (hg19) VCF-style: chr15-85407764-T-G.
Other names: short protein forms C1531G.
Identifiers: ClinVar variation 3533070 (VCV003533070.1).